The following is an entry in ClinVar:

NM_024580.6(EFL1):c.2888C>T (p.Ala963Val)

Gene: EFL1 (elongation factor like GTPase 1; minus strand). Cytogenetic location: 15q25.2.
Variant type: single nucleotide variant.
Coding change: c.2888C>T on transcript NM_024580.6 (MANE Select); coding-DNA position 2888, C replaced by T.
Protein change: p.Ala963Val; replaces alanine 963 with valine.
Molecular consequence: missense variant. On other transcripts: non-coding transcript variant (1).
Genome position (GRCh38, 1-based): chr15:82,151,566, G>A on the plus strand (C>T on the coding strand, the complement: EFL1 is on the minus strand). VCF-style: chr15-82151566-G-A. GRCh37 (hg19) VCF-style: chr15-82443907-G-A.
Other names: c.2735C>T, p.Ala912Val (NM_001040610.3); c.2099C>T, p.Ala700Val (NM_001322844.2); c.2888C>T, p.Ala963Val (NM_001322845.2); short protein forms A700V, A912V, A963V.
Identifiers: ClinVar variation 3608608 (VCV003608608.1).

ClinVar aggregate classification (germline): Uncertain significance (1 of 4 stars; one submission).

gnomAD v4.1: 13 of 1,614,140 alleles (0.00081%); highest among the groups gnomAD compares: Non-Finnish European, 0.0011%; no homozygotes.

Submission:

Labcorp Genetics (formerly Invitae), Labcorp
Classification: Uncertain significance. Last evaluated: 2024-11-06. Review status: criteria provided, single submitter. Criteria: Invitae Variant Classification Sherloc (09022015). Collection method: clinical testing. Allele origin: germline.
Comment: This sequence change replaces alanine, which is neutral and non-polar, with valine, which is neutral and non-polar, at codon 963 of the EFL1 protein (p.Ala963Val). This variant is present in population databases (rs756240807, gnomAD 0.007%). This variant has not been reported in the literature in individuals affected with EFL1-related conditions. Invitae Evidence Modeling of protein sequence and biophysical properties (such as structural, functional, and spatial information, amino acid conservation, physicochemical variation, residue mobility, and thermodynamic stability) indicates that this missense variant is not expected to disrupt EFL1 protein function with a negative predictive value of 80%. In summary, the available evidence is currently insufficient to determine the role of this variant in disease. Therefore, it has been classified as a Variant of Uncertain Significance.